The following is an entry in ClinVar:

NM_017841.4(SDHAF2):c.3G>C (p.Met1Ile)

Gene: SDHAF2 (succinate dehydrogenase complex assembly factor 2; plus strand). Cytogenetic location: 11q12.2.
Variant type: single nucleotide variant.
Coding change: c.3G>C on transcript NM_017841.4 (MANE Select); coding-DNA position 3, G replaced by C.
Protein change: p.Met1Ile; changes the start codon (methionine 1).
Molecular consequence: missense variant, initiator codon variant.
Genome position (GRCh38, 1-based): chr11:61,430,149, G>C. VCF-style: chr11-61430149-G-C. GRCh37 (hg19) VCF-style: chr11-61197621-G-C.
Other names: short protein forms M1I.
Identifiers: ClinVar variation 3572277 (VCV003572277.1).

ClinVar aggregate classification (germline): Uncertain significance (1 of 4 stars; one submission).

Submission:

Quest Diagnostics Nichols Institute San Juan Capistrano
Classification: Uncertain significance. Last evaluated: 2024-05-01. Review status: criteria provided, single submitter. Criteria: Quest Diagnostics criteria. Collection method: clinical testing. Allele origin: unknown.
Comment: The SDHAF2 c.3G>C variant disrupts the translation initiation codon of the SDHAF2 mRNA and is predicted to interfere with SDHAF2 protein synthesis. This variant has not been reported in individuals with SDHAF2-related conditions in the published literature. This variant has not been reported in large, multi-ethnic general populations (Genome Aggregation Database). Based on the available information, we are unable to determine the clinical significance of this variant.